The following is an entry in ClinVar:

ClinVar aggregate classification (germline): Likely benign (1 of 4 stars; one submission).

Allele frequency attached by ClinVar (database versions not stated): gnomAD exomes 0.00035 and 0.00065; ExAC 0.00160; gnomAD 0.00462 and 0.00501; 1000 Genomes Project 0.00479; TOPMed 0.00517; 1000 Genomes Project 30x 0.00625.
gnomAD v4.1: 1,082 of 1,145,416 alleles (0.094%); highest among the groups gnomAD compares: African/African-American, 1.5%; 9 homozygotes.

Submission:

GeneDx
Classification: Likely benign. Last evaluated: 2018-06-16. Review status: criteria provided, single submitter. Criteria: GeneDx Variant Classification (06012015). Collection method: clinical testing. Allele origin: germline. Affected: yes.
Comment: This variant is considered likely benign or benign based on one or more of the following criteria: it is a conservative change, it occurs at a poorly conserved position in the protein, it is predicted to be benign by multiple in silico algorithms, and/or has population frequency not consistent with disease.

NM_006073.4(TRDN):c.484+39T>C

Gene: TRDN (triadin; minus strand). Cytogenetic location: 6q22.31.
Variant type: single nucleotide variant.
Coding change: c.484+39T>C on transcript NM_006073.4 (MANE Select); 39 bases into the intron after coding-DNA position 484, T replaced by C.
Molecular consequence: intron variant.
Genome position (GRCh38, 1-based): chr6:123,530,467, A>G on the plus strand (T>C on the coding strand, the complement: TRDN is on the minus strand). VCF-style: chr6-123530467-A-G. GRCh37 (hg19) VCF-style: chr6-123851612-A-G.
Other names: c.484+39T>C (NM_001251987.2, NM_001256020.2, NM_001256021.2 and 1 more transcripts).
Identifiers: ClinVar variation 679826 (VCV000679826.1), dbSNP rs186663059, ClinGen allele CA3984375.